The following is an entry in ClinVar:

NM_001130987.2(DYSF):c.2107C>G (p.Leu703Val)

Gene: DYSF (dysferlin; plus strand). Cytogenetic location: 2p13.2.
Variant type: single nucleotide variant.
Coding change: c.2107C>G on transcript NM_001130987.2 (MANE Select); coding-DNA position 2107, C replaced by G.
Protein change: p.Leu703Val; replaces leucine 703 with valine.
Molecular consequence: missense variant.
Genome position (GRCh38, 1-based): chr2:71,553,929, C>G. VCF-style: chr2-71553929-C-G. GRCh37 (hg19) VCF-style: chr2-71781059-C-G.
Other names: p.Leu685Val; c.2056C>G, p.Leu686Val (NM_001130455.2, NM_001130983.2); c.2011C>G, p.Leu671Val (NM_001130976.2, NM_001130977.2); c.2053C>G, p.Leu685Val (NM_001130978.2, NM_003494.4); c.2146C>G, p.Leu716Val (NM_001130979.2); c.2104C>G, p.Leu702Val (NM_001130980.2, NM_001130981.2); c.2149C>G, p.Leu717Val (NM_001130982.2); c.2014C>G, p.Leu672Val (NM_001130984.2, NM_001130986.2); and 1 more; short protein forms L685V, L703V, L686V, L671V, L672V, L716V, L717V, L702V.
Identifiers: ClinVar variation 259069 (VCV000259069.39), dbSNP rs74423119, ClinGen allele CA1706042.

ClinVar aggregate classification (germline): Conflicting classifications of pathogenicity. Review status: criteria provided, conflicting classifications (1 of 4 stars). 10 submissions from 10 submitters: Uncertain significance (2); Benign (4); Likely benign (3). 1 of the submissions does not count toward it. Last evaluated 2026-01-28.

Conditions:
Inborn genetic diseases. Identifiers: MedGen C0950123, MeSH D030342.
Neuromuscular disease caused by qualitative or quantitative defects of dysferlin. Also called: Dysferlinopathy; Qualitative or quantitative defects of dysferlin. Identifiers: Orphanet 207073, MedGen C2931687, MONDO:0016145.
Autosomal recessive limb-girdle muscular dystrophy type 2B (LGMDR2). Also called: MUSCULAR DYSTROPHY, LIMB-GIRDLE, TYPE 3; Limb-Girdle Muscular Dystrophy Type 2B (LGMD2B); Limb-girdle muscular dystrophy, type 2B; MUSCULAR DYSTROPHY, LIMB-GIRDLE, AUTOSOMAL RECESSIVE 2. Identifiers: Orphanet 268, MedGen C1850889, MONDO:0009676, OMIM 253601.

Allele frequency attached by ClinVar (database versions not stated): 1000 Genomes Project 0.00240; gnomAD 0.00290 and 0.00327; TOPMed 0.00354; ESP Exome Variant Server 0.00431; gnomAD exomes 0.00028 and 0.00078; ExAC 0.00098; 1000 Genomes Project 30x 0.00234.
gnomAD v4.1: 872 of 1,614,172 alleles (0.054%); highest among the groups gnomAD compares: African/African-American, 1.1%; 5 homozygotes.

Submissions (10):

Labcorp Genetics (formerly Invitae), Labcorp
Classification: Benign for Neuromuscular disease caused by qualitative or quantitative defects of dysferlin. Last evaluated: 2026-01-28. Review status: criteria provided, single submitter. Criteria: Invitae Variant Classification Sherloc (09022015). Collection method: clinical testing. Allele origin: germline.

Blueprint Genetics
Classification: Likely benign. Last evaluated: 2024-10-09. Review status: criteria provided, single submitter. Criteria: ACMG Guidelines, 2015. Collection method: clinical testing. Allele origin: germline.

CeGaT Center for Human Genetics Tuebingen
Classification: Likely benign. Last evaluated: 2024-08-01. Review status: criteria provided, single submitter. Criteria: CeGaT Center For Human Genetics Tuebingen Variant Classification Criteria Version 2. Collection method: clinical testing. Allele origin: germline. Affected: yes. Observed: 1 variant allele.
Comment: DYSF: BS1

Mayo Clinic Laboratories, Mayo Clinic
Classification: Benign. Last evaluated: 2023-07-28. Review status: criteria provided, single submitter. Criteria: ACMG Guidelines, 2015. Collection method: clinical testing. Allele origin: germline. Observed: 3 variant alleles.
Comment: BS1, BS2

Ambry Genetics
Classification: Uncertain significance for Inborn genetic diseases. Last evaluated: 2021-06-22. Review status: criteria provided, single submitter. Criteria: Ambry Variant Classification Scheme 2023. Collection method: clinical testing. Allele origin: germline.

GeneDx
Classification: Benign. Last evaluated: 2018-04-25. Review status: criteria provided, single submitter. Criteria: GeneDx Variant Classification Process June 2021. Collection method: clinical testing. Allele origin: germline. Affected: yes.

Illumina Laboratory Services, Illumina
Classification: Uncertain significance for Qualitative or quantitative defects of dysferlin. Last evaluated: 2018-01-13. Review status: criteria provided, single submitter. Criteria: ICSL Variant Classification Criteria 13 December 2019. Collection method: clinical testing. Allele origin: germline.

Center for Pediatric Genomic Medicine, Children's Mercy Hospital and Clinics
Classification: Likely benign. Last evaluated: 2017-08-28. Review status: criteria provided, single submitter. Criteria: ACMG Guidelines, 2015. Collection method: clinical testing. Allele origin: germline.

PreventionGenetics, part of Exact Sciences
Classification: Benign. Review status: criteria provided, single submitter. Criteria: ACMG Guidelines, 2015. Collection method: clinical testing. Allele origin: germline.

Natera, Inc.
Classification: Benign for Limb-girdle muscular dystrophy type 2B. Last evaluated: 2021-02-26. Review status: no assertion criteria provided. Collection method: clinical testing. Allele origin: germline. Not counted in ClinVar's aggregate classification.